The following is an entry in ClinVar:

NM_001127222.2(CACNA1A):c.5508C>T (p.Ala1836=)

Gene: CACNA1A (calcium voltage-gated channel subunit alpha1 A; minus strand). Cytogenetic location: 19p13.13.
Variant type: single nucleotide variant.
Coding change: c.5508C>T on transcript NM_001127222.2 (MANE Select); coding-DNA position 5508, C replaced by T.
Protein change: p.Ala1836=; no amino-acid change (alanine 1836 retained).
Molecular consequence: synonymous variant.
Genome position (GRCh38, 1-based): chr19:13,230,102, G>A on the plus strand (C>T on the coding strand, the complement: CACNA1A is on the minus strand). VCF-style: chr19-13230102-G-A. GRCh37 (hg19) VCF-style: chr19-13340916-G-A.
Other names: c.5526C>T, p.Ala1842= (NM_000068.4, NM_023035.3); c.5511C>T, p.Ala1837= (NM_001127221.2); c.5517C>T, p.Ala1839= (NM_001174080.2).
Identifiers: ClinVar variation 391159 (VCV000391159.11), dbSNP rs750338421, ClinGen allele CA9239723.

ClinVar aggregate classification (germline): Benign/Likely benign. Review status: criteria provided, multiple submitters, no conflicts (2 of 4 stars). 3 submissions from 3 submitters: Benign (1); Likely benign (2). Last evaluated 2026-01-12.

Conditions:
Episodic ataxia type 2 (EA2). Also called: ATAXIA, EPISODIC, WITH NYSTAGMUS; ATAXIA, FAMILIAL PAROXYSMAL; CEREBELLAR ATAXIA, PAROXYSMAL, ACETAZOLAMIDE-RESPONSIVE; CEREBELLOPATHY, HEREDITARY PAROXYSMAL; ACETAZOLAMIDE-RESPONSIVE HEREDITARY PAROXYSMAL CEREBELLAR ATAXIA; EPISODIC ATAXIA, NYSTAGMUS-ASSOCIATED. Identifiers: Orphanet 97, MedGen C1720416, MONDO:0007163, OMIM 108500.
Developmental and epileptic encephalopathy, 42 (DEE42A). Also called: DEVELOPMENTAL AND EPILEPTIC ENCEPHALOPATHY 42A; EPILEPTIC ENCEPHALOPATHY, EARLY INFANTILE, 42A; Epileptic encephalopathy, early infantile, 42. Identifiers: MedGen C4310716, MONDO:0014917, OMIM 617106.

Allele frequency attached by ClinVar (database versions not stated): gnomAD 0.00002; gnomAD exomes 0.00005 and 0.00006; TOPMed 0.00007; ExAC 0.00008.
gnomAD v4.1: 74 of 1,613,506 alleles (0.0046%); highest among the groups gnomAD compares: Non-Finnish European, 0.0059%; no homozygotes.

Submissions (3):

Labcorp Genetics (formerly Invitae), Labcorp
Classification: Likely benign for Developmental and epileptic encephalopathy, 42; Episodic ataxia type 2. Last evaluated: 2026-01-12. Review status: criteria provided, single submitter. Criteria: Invitae Variant Classification Sherloc (09022015). Collection method: clinical testing. Allele origin: germline.

Athena Diagnostics
Classification: Benign. Last evaluated: 2018-12-03. Review status: criteria provided, single submitter. Criteria: Athena Diagnostics Criteria. Collection method: clinical testing. Allele origin: germline.

GeneDx
Classification: Likely benign. Last evaluated: 2017-10-20. Review status: criteria provided, single submitter. Criteria: GeneDx Variant Classification (06012015). Collection method: clinical testing. Allele origin: germline. Affected: yes.
Comment: This variant is considered likely benign or benign based on one or more of the following criteria: it is a conservative change, it occurs at a poorly conserved position in the protein, it is predicted to be benign by multiple in silico algorithms, and/or has population frequency not consistent with disease.